The following is an entry in ClinVar:

NM_000103.4(CYP19A1):c.1124G>A (p.Arg375His)

Genes: PIRC66 (piwi-interacting RNA cluster 66; plus strand), CYP19A1 (cytochrome P450 family 19 subfamily A member 1; minus strand), MIR4713HG (MIR4713 host gene; plus strand). Cytogenetic location: 15q21.2.
Variant type: single nucleotide variant.
Coding change: c.1124G>A on transcript NM_000103.4 (MANE Select); coding-DNA position 1124, G replaced by A.
Protein change: p.Arg375His; replaces arginine 375 with histidine.
Molecular consequence: missense variant.
Genome position (GRCh38, 1-based): chr15:51,212,459, C>T on the plus strand (G>A on the coding strand, the complement: CYP19A1 is on the minus strand). VCF-style: chr15-51212459-C-T. GRCh37 (hg19) VCF-style: chr15-51504656-C-T.
Other names: c.1124G>A, p.Arg375His (NM_001347248.1, NM_001347249.2, NM_001347250.2 and 7 more transcripts); short protein forms R375H.
Identifiers: ClinVar variation 4816266 (VCV004816266.1).

ClinVar aggregate classification (germline): Likely pathogenic (1 of 4 stars; one submission).

Conditions:
Aromatase deficiency. Also called: PSEUDOHERMAPHRODITISM, FEMALE, DUE TO PLACENTAL AROMATASE DEFICIENCY; Increased aromatase activity. Identifiers: Orphanet 91, MedGen C1960539, MONDO:0013301, OMIM 613546.

gnomAD v4.1: 8 of 1,609,426 alleles (0.0005%); highest among the groups gnomAD compares: East Asian, 0.0022%; no homozygotes.

Submission:

Natera, Inc.
Classification: Likely pathogenic for Aromatase deficiency. Last evaluated: 2025-09-22. Review status: criteria provided, single submitter. Criteria: Natera Variant Classification Schema (03/2026). Collection method: clinical testing. Allele origin: germline.
Comment: The c.1124G>A variant in CYP19A1 is a missense variant predicted to cause substitution of arginine to histidine at amino acid 375. This variant is rare in the general population with a frequency below the threshold expected for the associated phenotype(s). This variant has been observed in one or more individuals affected with the associated recessive disease, as either homozygous or compound heterozygous with a second variant (PMID: 23748068). Functional studies show that this variant may disrupt protein function (PMID: 17547681). A different variant at the same position has been determined to be Pathogenic or Likely Pathogenic. Computational prediction algorithms indicate this variant is likely to affect gene or protein function. Given the available evidence, this variant is classified as Likely Pathogenic.

Literature cited by the submitters: PubMed 23748068; PubMed 17547681.